The following is an entry in ClinVar:

ClinVar aggregate classification (germline): Uncertain significance (1 of 4 stars; one submission).

Submission:

GeneDx
Classification: Uncertain significance. Last evaluated: 2024-09-08. Review status: criteria provided, single submitter. Criteria: GeneDx Variant Classification Process June 2021. Collection method: clinical testing. Allele origin: germline. Affected: yes.
Comment: Not observed at significant frequency in large population cohorts (gnomAD); In silico analysis indicates that this missense variant does not alter protein structure/function; Has not been previously published as pathogenic or benign to our knowledge

NM_021096.4(CACNA1I):c.6334G>A (p.Gly2112Ser)

Gene: CACNA1I (calcium voltage-gated channel subunit alpha1 I; plus strand). Cytogenetic location: 22q13.1.
Variant type: single nucleotide variant.
Coding change: c.6334G>A on transcript NM_021096.4 (MANE Select); coding-DNA position 6334, G replaced by A.
Protein change: p.Gly2112Ser; replaces glycine 2112 with serine.
Molecular consequence: missense variant.
Genome position (GRCh38, 1-based): chr22:39,686,067, G>A. VCF-style: chr22-39686067-G-A. GRCh37 (hg19) VCF-style: chr22-40082072-G-A.
Other names: c.6229G>A, p.Gly2077Ser (NM_001003406.2); short protein forms G2077S, G2112S.
Identifiers: ClinVar variation 3767508 (VCV003767508.1).